The following is an entry in ClinVar:

ClinVar aggregate classification (germline): Uncertain significance (1 of 4 stars; one submission).

Conditions:
Neonatal-onset encephalopathy with rigidity and seizures. Also called: Lethal neonatal spasticity-epileptic encephalopathy syndrome. Identifiers: Orphanet 435845, MedGen C3281029, MONDO:0013784, OMIM 614498.

Submission:

Labcorp Genetics (formerly Invitae), Labcorp
Classification: Uncertain significance for Neonatal-onset encephalopathy with rigidity and seizures. Last evaluated: 2022-03-18. Review status: criteria provided, single submitter. Criteria: Invitae Variant Classification Sherloc (09022015). Collection method: clinical testing. Allele origin: germline.
Comment: This sequence change affects codon 214 of the BRAT1 mRNA. It is a 'silent' change, meaning that it does not change the encoded amino acid sequence of the BRAT1 protein. This variant is not present in population databases (gnomAD no frequency). This variant has not been reported in the literature in individuals affected with BRAT1-related conditions. Algorithms developed to predict the effect of sequence changes on RNA splicing suggest that this variant may disrupt the consensus splice site. In summary, the available evidence is currently insufficient to determine the role of this variant in disease. Therefore, it has been classified as a Variant of Uncertain Significance.

NM_152743.4(BRAT1):c.642C>A (p.Val214=)

Gene: BRAT1 (BRCA1 associated ATM activator 1; minus strand). Cytogenetic location: 7p22.3.
Variant type: single nucleotide variant.
Coding change: c.642C>A on transcript NM_152743.4 (MANE Select); coding-DNA position 642, C replaced by A.
Protein change: p.Val214=; no amino-acid change (valine 214 retained).
Molecular consequence: synonymous variant. On other transcripts: non-coding transcript variant (1).
Genome position (GRCh38, 1-based): chr7:2,543,751, G>T on the plus strand (C>A on the coding strand, the complement: BRAT1 is on the minus strand). VCF-style: chr7-2543751-G-T. GRCh37 (hg19) VCF-style: chr7-2583385-G-T.
Other names: c.642C>A, p.Val214= (NM_001350626.2); c.117C>A, p.Val39= (NM_001350627.2).
Identifiers: ClinVar variation 2112186 (VCV002112186.4), dbSNP rs2534389841, ClinGen allele CA453628061.